The following is an entry in ClinVar:

NM_023110.3(FGFR1):c.206_210dup (p.Val71fs)

Gene: FGFR1 (fibroblast growth factor receptor 1; minus strand). Cytogenetic location: 8p11.23.
Variant type: Duplication.
Coding change: c.206_210dup on transcript NM_023110.3 (MANE Select); coding-DNA positions 206 to 210, 5 bases duplicated (ACGGG; older notation c.206_210dupACGGG).
Protein change: p.Val71fs; shifts the reading frame from valine 71.
Molecular consequence: frameshift variant. On other transcripts: intron variant (5).
Genome position (GRCh38, 1-based): chr8:38,429,830-38,429,834, CCCGT duplicated on the plus strand (ACGGG on the coding strand, the reverse complement: FGFR1 is on the minus strand); duplicating any 5 consecutive bases within chr8:38,429,830-38,429,838 gives the same sequence; the c. name uses the placement nearest the transcript's 3' end. VCF-style (leftmost placement, unchanged base first): chr8-38429829-C-CCCCGT. GRCh37 (hg19) VCF-style: chr8-38287347-C-CCCCGT.
Other names: c.206_210dup, p.Val71fs (NM_001174063.2, NM_001174065.2, NM_001354367.2 and 3 more transcripts); c.182_186dup, p.Val63fs (NM_001174064.2); c.305_309dup, p.Val104fs (NM_001174067.2); c.92-1399_92-1395dup (NM_001354368.2, NM_001354370.2, NM_023106.3 and 2 more transcripts); short protein forms V104fs, V63fs, V71fs.
Identifiers: ClinVar variation 3382235 (VCV003382235.2).
Genomic context (GRCh38, chr8:38,429,829, plus strand): 5'-AGTCCTGCACCTCCACCTCCTCCCCTGTGATGCGGGTGCGGTTGCTTTCCGCCAGCTGCA[C>CCCCGT]CCCGTCCCGCAGCCAGTTGATGCTCTGCACATCGTCCCGCAGCCGACAGCGAAGCTGCAG-3'

ClinVar aggregate classification (germline): Pathogenic (1 of 4 stars; one submission).

Conditions:
Hypogonadotropic hypogonadism 2 with or without anosmia (HH2). Also called: FGFR1-Related GnRH Deficiency (Kallmann Syndrome 2); HYPOGONADOTROPIC HYPOGONADISM 2 WITH OR WITHOUT ANOSMIA, SUSCEPTIBILITY TO; HYPOGONADOTROPIC HYPOGONADISM 2 WITHOUT ANOSMIA, SUSCEPTIBILITY TO; HYPOGONADOTROPIC HYPOGONADISM 2 WITHOUT ANOSMIA. Identifiers: Orphanet 478, MedGen C1563720, MONDO:0007844, OMIM 147950. Disease mechanism: loss of function.

Submission:

Juno Genomics, Hangzhou Juno Genomics, Inc
Classification: Pathogenic for Hypogonadotropic hypogonadism 2 with or without anosmia. Review status: criteria provided, single submitter. Criteria: ACMG Guidelines, 2015. Collection method: clinical testing. Allele origin: germline. Affected: yes.
Comment: Absent from controls (or at extremely low frequency if recessive) in Genome Aggregation Database, Exome Sequencing Project, 1000 Genomes Project, or Exome Aggregation Consortium.;Null variant in a gene where loss of function (LOF) is a known mechanism of disease.;Patient's phenotype or family history is highly specific for a disease with a single genetic etiology.